The following is an entry in ClinVar:

ClinVar aggregate classification (germline): Uncertain significance (1 of 4 stars; one submission).

Conditions:
Spastic paraplegia. Identifiers: MedGen C0037772, HP:0001258.

Allele frequency attached by ClinVar (database versions not stated): TOPMed below 0.00001; gnomAD exomes 0.00003.
gnomAD v4.1: 23 of 1,613,896 alleles (0.0014%); highest among the groups gnomAD compares: Non-Finnish European, 0.0019%; no homozygotes.

Submission:

Labcorp Genetics (formerly Invitae), Labcorp
Classification: Uncertain significance for Spastic paraplegia. Last evaluated: 2022-07-05. Review status: criteria provided, single submitter. Criteria: Invitae Variant Classification Sherloc (09022015). Collection method: clinical testing. Allele origin: germline.
Comment: This sequence change replaces serine, which is neutral and polar, with asparagine, which is neutral and polar, at codon 805 of the ZFYVE26 protein (p.Ser805Asn). This variant is not present in population databases (gnomAD no frequency). This variant has not been reported in the literature in individuals affected with ZFYVE26-related conditions. ClinVar contains an entry for this variant (Variation ID: 1345088). Algorithms developed to predict the effect of missense changes on protein structure and function output the following: SIFT: "Tolerated"; PolyPhen-2: "Benign"; Align-GVGD: "Class C0". The asparagine amino acid residue is found in multiple mammalian species, which suggests that this missense change does not adversely affect protein function. In summary, the available evidence is currently insufficient to determine the role of this variant in disease. Therefore, it has been classified as a Variant of Uncertain Significance.

NM_015346.4(ZFYVE26):c.2414G>A (p.Ser805Asn)

Gene: ZFYVE26 (zinc finger FYVE-type containing 26; minus strand). Cytogenetic location: 14q24.1.
Variant type: single nucleotide variant.
Coding change: c.2414G>A on transcript NM_015346.4 (MANE Select); coding-DNA position 2414, G replaced by A.
Protein change: p.Ser805Asn; replaces serine 805 with asparagine.
Molecular consequence: missense variant.
Genome position (GRCh38, 1-based): chr14:67,793,747, C>T on the plus strand (G>A on the coding strand, the complement: ZFYVE26 is on the minus strand). VCF-style: chr14-67793747-C-T. GRCh37 (hg19) VCF-style: chr14-68260464-C-T.
Other names: short protein forms S805N.
Identifiers: ClinVar variation 1345088 (VCV001345088.3), dbSNP rs751853980, ClinGen allele CA390174485.